The following is an entry in ClinVar:

ClinVar aggregate classification (germline): Conflicting classifications of pathogenicity. Review status: criteria provided, conflicting classifications (1 of 4 stars). 7 submissions from 7 submitters: Pathogenic (1); Likely pathogenic (3); Uncertain significance (1). 2 of the submissions do not count toward it. Last evaluated 2025-11-26.

Conditions:
PEX7-related disorder. Also called: PEX7-related condition; PEX7-related disorders. Identifiers: MedGen CN239409.
Rhizomelic chondrodysplasia punctata (RCDP). Identifiers: Orphanet 177, MedGen C0282529, MONDO:0015776. Disease mechanism: loss of function.
Rhizomelic chondrodysplasia punctata type 1 (RCDP1). Also called: CHONDRODYSTROPHIA CALCIFICANS PUNCTATA; PEX7-Related Rhizomelic Chondrodysplasia Punctata; PEROXISOME BIOGENESIS DISORDER 9. Identifiers: Orphanet 177, Orphanet 309789, MedGen C1859133, MONDO:0008972, OMIM 215100. Disease mechanism: loss of function.
Peroxisome biogenesis disorder 9B. Also called: PEROXISOME BIOGENESIS DISORDER, PEX7-RELATED, ATYPICAL; PEX7-Related Refsum Disease; Refsum disease, adult, 2. Identifiers: Orphanet 773, MedGen C2749346, MONDO:0013945, OMIM 614879.
Peroxisome biogenesis disorder. Identifiers: Orphanet 79189, MedGen C1832200, MONDO:0019234. Disease mechanism: loss of function.

gnomAD v4.1: 18 of 1,517,438 alleles (0.0012%); highest among the groups gnomAD compares: Non-Finnish European, 0.0016%; no homozygotes.

Submissions (7):

Myriad Genetics, Inc.
Classification: Uncertain significance for Peroxisome biogenesis disorder. Last evaluated: 2025-11-26. Review status: criteria provided, single submitter. Criteria: Myriad Autosomal Dominant, Autosomal Recessive and X-Linked Classification Criteria (2023). Collection method: clinical testing. Allele origin: unknown.
Comment: NM_000288.3(PEX7):c.40A>C(T14P) is a missense variant classified as a variant of uncertain significance in the context of PEX7-related disorders. T14P has been observed in cases with relevant disease (PMID: 12522768, 35055178). Relevant functional assessments of this variant are not available in the literature. T14P has not been observed in referenced population frequency databases. In summary, there is insufficient evidence to classify NM_000288.3(PEX7):c.40A>C(T14P) as pathogenic or benign. Please note: this variant was assessed in the context of healthy population screening.

Natera, Inc.
Classification: Likely pathogenic for Rhizomelic Chondrodysplasia Punctata. Last evaluated: 2025-09-10. Review status: criteria provided, single submitter. Criteria: Natera Variant Classification Schema (03/2026). Collection method: clinical testing. Allele origin: germline.
Comment: The c.40A>C variant in PEX7 is a missense variant predicted to cause substitution of threonine to proline at amino acid 14. This variant is rare in the general population with a frequency below the threshold expected for the associated phenotype(s). This variant has been observed in one or more individuals affected with the associated recessive disease, as either homozygous or compound heterozygous with a second variant (PMID: 35055178, 12522768). Additionally, this variant has been observed to segregate in affected family members (PMID: 12522768). Computational prediction algorithms indicate this variant is likely to affect gene or protein function. Given the available evidence, this variant is classified as Likely Pathogenic.

Fulgent Genetics
Classification: Likely pathogenic for Rhizomelic chondrodysplasia punctata type 1; Peroxisome biogenesis disorder 9B. Last evaluated: 2024-04-29. Review status: criteria provided, single submitter. Criteria: ACMG Guidelines, 2015. Collection method: clinical testing. Allele origin: germline.

Blueprint Genetics
Classification: Likely pathogenic for PEX7-related disorders. Last evaluated: 2023-10-23. Review status: criteria provided, single submitter. Criteria: ACMG Guidelines, 2015. Collection method: clinical testing. Allele origin: germline. Affected: yes. Observed: 3 variant alleles.

Baylor Genetics
Classification: Pathogenic for Peroxisome biogenesis disorder 9B. Last evaluated: 2023-10-16. Review status: criteria provided, single submitter. Criteria: ACMG Guidelines, 2015. Collection method: clinical testing. Allele origin: unknown.

OMIM
Classification: Pathogenic for PEROXISOME BIOGENESIS DISORDER 9B. Last evaluated: 2003-02-01. Review status: no assertion criteria provided. Collection method: literature only. Allele origin: germline. Not counted in ClinVar's aggregate classification.

GeneReviews
No classification provided. Condition: Rhizomelic chondrodysplasia punctata type 1. Review status: no classification provided. Collection method: literature only. Allele origin: unknown. Not counted in ClinVar's aggregate classification.

Literature cited by the submitters: PubMed 12522768 (cited by 3 submitters); PubMed 35055178 (cited by Myriad Genetics, Inc. and Natera, Inc.); PubMed 20301447 (cited by GeneReviews); NCBI Bookshelf NBK1270 (cited by GeneReviews).

NM_000288.4(PEX7):c.40A>C (p.Thr14Pro)

Gene: PEX7 (peroxisomal biogenesis factor 7; plus strand). Cytogenetic location: 6q23.3.
Variant type: single nucleotide variant.
Coding change: c.40A>C on transcript NM_000288.4 (MANE Select); coding-DNA position 40, A replaced by C.
Protein change: p.Thr14Pro; replaces threonine 14 with proline.
Molecular consequence: missense variant.
Genome position (GRCh38, 1-based): chr6:136,822,705, A>C. VCF-style: chr6-136822705-A-C. GRCh37 (hg19) VCF-style: chr6-137143843-A-C.
Other names: short protein forms T14P.
Identifiers: ClinVar variation 7790 (VCV000007790.8), dbSNP rs61753233, ClinGen allele CA119078.